The following is an entry in ClinVar:

ClinVar aggregate classification (germline): Uncertain significance (1 of 4 stars; one submission).

Conditions:
Hereditary cancer-predisposing syndrome. Also called: Tumor predisposition; Hereditary Cancer Syndrome; Hereditary neoplastic syndrome; Neoplastic Syndromes, Hereditary. Identifiers: Orphanet 140162, MedGen C0027672, MeSH D009386, MONDO:0015356.

Submission:

Ambry Genetics
Classification: Uncertain significance for Hereditary cancer-predisposing syndrome. Last evaluated: 2026-09-04. Review status: criteria provided, single submitter. Criteria: Ambry Variant Classification Scheme 2023. Collection method: clinical testing. Allele origin: germline.
Comment: The p.V169F variant (also known as c.505G>T), located in coding exon 3 of the PTCH1 gene, results from a G to T substitution at nucleotide position 505. The valine at codon 169 is replaced by phenylalanine, an amino acid with highly similar properties. This amino acid position is well conserved in available vertebrate species. In addition, this alteration is predicted to be deleterious by in silico analysis. Based on the available evidence, the clinical significance of this variant remains unclear.

NM_000264.5(PTCH1):c.505G>T (p.Val169Phe)

Gene: PTCH1 (patched 1; minus strand). Cytogenetic location: 9q22.32.
Variant type: single nucleotide variant.
Coding change: c.505G>T on transcript NM_000264.5 (MANE Select); coding-DNA position 505, G replaced by T.
Protein change: p.Val169Phe; replaces valine 169 with phenylalanine.
Molecular consequence: missense variant. On other transcripts: non-coding transcript variant (1).
Genome position (GRCh38, 1-based): chr9:95,485,764, C>A on the plus strand (G>T on the coding strand, the complement: PTCH1 is on the minus strand). VCF-style: chr9-95485764-C-A. GRCh37 (hg19) VCF-style: chr9-98248046-C-A.
Other names: c.307G>T, p.Val103Phe (NM_001083602.3, NM_001354919.2); c.502G>T, p.Val168Phe (NM_001083603.3); c.52G>T, p.Val18Phe (NM_001083604.3, NM_001083605.3, NM_001083606.3 and 1 more transcripts); c.505G>T, p.Val169Phe (NM_001354918.2); short protein forms V103F, V169F, V168F, V18F.
Identifiers: ClinVar variation 3427341 (VCV003427341.2).
Genomic context (GRCh38, chr9:95,485,764, plus strand): 5'-GGACACGGCTGGCCTGGAGTGCCGAGTCCAGGTGTTGTAGGAGCGCTTCTGTGGTCAGGA[C>A]ATTAGCACCTTCTTCTTTAGGGGTCTGTATCATGAGTTGAGGATTAAACATAGCCTCTTC-3'
Protein context (NP_000255.2, residues 159-179): IQTPKEEGAN[Val169Phe]LTTEALLQHL